The following is an entry in ClinVar:

ClinVar aggregate classification (germline): Likely pathogenic. Review status: criteria provided, single submitter (1 of 4 stars). 2 submissions from 2 submitters: Likely pathogenic (1). 1 of the submissions does not count toward it. Last evaluated 2022-03-25.

Conditions:
Fanconi anemia complementation group A (FANCA). Also called: Fanconi anemia, group A; FANCA-Related Fanconi Anemia. Identifiers: Orphanet 84, MedGen C3469521, MONDO:0009215, OMIM 227650.
Fanconi anemia (FA). Also called: Fanconi's anemia. Identifiers: Orphanet 84, MedGen C0015625, MeSH D005199, MONDO:0019391.

Allele frequency attached by ClinVar (database versions not stated): gnomAD exomes below 0.00001; TOPMed below 0.00001; ExAC 0.00001.
gnomAD v4.1: 1 of 1,613,898 alleles (0.000062%); highest among the groups gnomAD compares: Non-Finnish European, 0.000085%; no homozygotes.

Submissions (2):

Labcorp Genetics (formerly Invitae), Labcorp
Classification: Likely pathogenic for Fanconi anemia. Last evaluated: 2022-03-25. Review status: criteria provided, single submitter. Criteria: Invitae Variant Classification Sherloc (09022015). Collection method: clinical testing. Allele origin: germline.
Comment: In summary, the currently available evidence indicates that the variant is pathogenic, but additional data are needed to prove that conclusively. Therefore, this variant has been classified as Likely Pathogenic. Algorithms developed to predict the effect of sequence changes on RNA splicing suggest that this variant may disrupt the consensus splice site. ClinVar contains an entry for this variant (Variation ID: 974251). Disruption of this splice site has been observed in individual(s) with Fanconi anemia (PMID: 15643609, 25953249). This variant is present in population databases (rs587783028, gnomAD 0.0009%). This sequence change affects a donor splice site in intron 31 of the FANCA gene. It is expected to disrupt RNA splicing. Variants that disrupt the donor or acceptor splice site typically lead to a loss of protein function (PMID: 16199547), and loss-of-function variants in FANCA are known to be pathogenic (PMID: 19367192).

Leiden Open Variation Database
Classification: Pathogenic for Fanconi anemia complementation group A. Last evaluated: 2020-02-28. Review status: no assertion criteria provided. Collection method: curation. Allele origin: germline. Affected: yes. Not counted in ClinVar's aggregate classification.
Comment: Curator: Arleen D. Auerbach. Submitter to LOVD: Arleen D. Auerbach.

Literature cited by the submitters: PubMed 15643609 (cited by Labcorp Genetics (formerly Invitae), Labcorp); PubMed 25953249 (cited by Labcorp Genetics (formerly Invitae), Labcorp); PubMed 16199547 (cited by Labcorp Genetics (formerly Invitae), Labcorp); PubMed 19367192 (cited by Labcorp Genetics (formerly Invitae), Labcorp).

NM_000135.4(FANCA):c.3066+1G>A

Gene: FANCA (FA complementation group A; minus strand). Cytogenetic location: 16q24.3.
Variant type: single nucleotide variant.
Coding change: c.3066+1G>A on transcript NM_000135.4 (MANE Select); the canonical splice donor site of the intron after coding-DNA position 3066, G replaced by A.
Molecular consequence: splice donor variant.
Genome position (GRCh38, 1-based): chr16:89,752,137, C>T on the plus strand (G>A on the coding strand, the complement: FANCA is on the minus strand). VCF-style: chr16-89752137-C-T. GRCh37 (hg19) VCF-style: chr16-89818545-C-T.
Other names: c.3066+1G>A (NM_001286167.3).
Identifiers: ClinVar variation 974251 (VCV000974251.10), dbSNP rs587783028, ClinGen allele CA8251368.
Genomic context (GRCh38, chr16:89,752,137, plus strand): 5'-TCTTAATAGCACGCGGCTTAAATGAAGTGAATGCACTGAGTTGTGGCACCCTCAAACTCA[C>T]CTGCAATCTGGAAATAATATCCTCATTTCCTGTGCGGCCACCAAAGACCAAATCAGAATT-3'